The following is an entry in ClinVar:

NM_006648.4(WNK2):c.2984A>C (p.Gln995Pro)

Gene: WNK2 (WNK lysine deficient protein kinase 2; plus strand). Cytogenetic location: 9q22.31.
Variant type: single nucleotide variant.
Coding change: c.2984A>C on transcript NM_006648.4 (MANE Select); coding-DNA position 2984, A replaced by C.
Protein change: p.Gln995Pro; replaces glutamine 995 with proline.
Molecular consequence: missense variant.
Genome position (GRCh38, 1-based): chr9:93,259,532, A>C. VCF-style: chr9-93259532-A-C. GRCh37 (hg19) VCF-style: chr9-96021814-A-C.
Other names: c.2984A>C, p.Gln995Pro (NM_001282394.3); short protein forms Q995P.
Identifiers: ClinVar variation 4844857 (VCV004844857.1).

ClinVar aggregate classification (germline): Uncertain significance (1 of 4 stars; one submission).

Submission:

Ambry Genetics
Classification: Uncertain significance. Last evaluated: 2026-01-18. Review status: criteria provided, single submitter. Criteria: Ambry Variant Classification Scheme 2023. Collection method: clinical testing. Allele origin: germline.
Comment: The p.Q995P variant (also known as c.2984A>C), located in coding exon 11 of the WNK2 gene, results from an A to C substitution at nucleotide position 2984. The glutamine at codon 995 is replaced by proline, an amino acid with similar properties. This amino acid position is conserved. In addition, this alteration is predicted to be tolerated by in silico analysis. Based on the available evidence, the clinical significance of this variant remains unclear.